The following is an entry in ClinVar:

NM_006280.3(SSR4):c.366C>T (p.Asn122=)

Gene: SSR4 (signal sequence receptor subunit 4; plus strand). Cytogenetic location: Xq28.
Variant type: single nucleotide variant.
Coding change: c.366C>T on transcript NM_006280.3 (MANE Select); coding-DNA position 366, C replaced by T.
Protein change: p.Asn122=; no amino-acid change (asparagine 122 retained).
Molecular consequence: synonymous variant.
Genome position (GRCh38, 1-based): chrX:153,798,085, C>T. VCF-style: chrX-153798085-C-T. GRCh37 (hg19) VCF-style: chrX-153063540-C-T.
Other names: c.390C>T, p.Asn130= (NM_001204527.2); c.399C>T, p.Asn133= (NM_001204526.2).
Identifiers: ClinVar variation 514804 (VCV000514804.9), dbSNP rs782276992, ClinGen allele CA10553358.

ClinVar aggregate classification (germline): Likely benign. Review status: criteria provided, multiple submitters, no conflicts (2 of 4 stars). 2 submissions from 2 submitters: Likely benign (2). Last evaluated 2024-03-14.

Allele frequency attached by ClinVar (database versions not stated): gnomAD 0.00007 and 0.00008; TOPMed 0.00008.
gnomAD v4.1: 32 of 1,022,831 alleles (0.0031%); highest among the groups gnomAD compares: East Asian, 0.084%; no homozygotes.

Submissions (2):

Labcorp Genetics (formerly Invitae), Labcorp
Classification: Likely benign. Last evaluated: 2024-03-14. Review status: criteria provided, single submitter. Criteria: Invitae Variant Classification Sherloc (09022015). Collection method: clinical testing. Allele origin: germline.

GeneDx
Classification: Likely benign. Last evaluated: 2018-01-30. Review status: criteria provided, single submitter. Criteria: GeneDx Variant Classification (06012015). Collection method: clinical testing. Allele origin: germline. Affected: yes.
Comment: This variant is considered likely benign or benign based on one or more of the following criteria: it is a conservative change, it occurs at a poorly conserved position in the protein, it is predicted to be benign by multiple in silico algorithms, and/or has population frequency not consistent with disease.